The following is an entry in ClinVar:

ClinVar aggregate classification (germline): Uncertain significance (1 of 4 stars; one submission).

Submission:

Labcorp Genetics (formerly Invitae), Labcorp
Classification: Uncertain significance. Last evaluated: 2023-01-10. Review status: criteria provided, single submitter. Criteria: Invitae Variant Classification Sherloc (09022015). Collection method: clinical testing. Allele origin: germline.
Comment: Experimental studies and prediction algorithms are not available or were not evaluated, and the functional significance of this variant is currently unknown. In summary, the available evidence is currently insufficient to determine the role of this variant in disease. Therefore, it has been classified as a Variant of Uncertain Significance. This variant has not been reported in the literature in individuals affected with MARS2-related conditions. This sequence change creates a premature translational stop signal (p.Gly574Alafs*47) in the MARS2 gene. While this is not anticipated to result in nonsense mediated decay, it is expected to disrupt the last 20 amino acid(s) of the MARS2 protein. This variant is not present in population databases (gnomAD no frequency).

NM_138395.4(MARS2):c.1719_1720del (p.Gly574fs)

Gene: MARS2 (methionyl-tRNA synthetase 2, mitochondrial; plus strand). Cytogenetic location: 2q33.1.
Variant type: Deletion.
Coding change: c.1719_1720del on transcript NM_138395.4 (MANE Select); coding-DNA positions 1719 to 1720, 2 bases deleted (TG; older notation c.1719_1720delTG).
Protein change: p.Gly574fs; shifts the reading frame from glycine 574.
Molecular consequence: frameshift variant.
Genome position (GRCh38, 1-based): chr2:197,707,124-197,707,125, TG deleted. VCF-style (leftmost placement, unchanged base first): chr2-197707123-CTG-C. GRCh37 (hg19) VCF-style: chr2-198571847-CTG-C.
Other names: short protein forms G574fs.
Identifiers: ClinVar variation 1920401 (VCV001920401.5), dbSNP rs2468942751, ClinGen allele CA2580065417.